The following is an entry in ClinVar:

NC_000005.9:g.(?_74001024)_(74014816_?)del

Gene: HEXB (hexosaminidase subunit beta; plus strand). Cytogenetic location: 5q13.3.
Variant type: Deletion.
Identifiers: ClinVar variation 3246290 (VCV003246290.1).

ClinVar aggregate classification (germline): Pathogenic (1 of 4 stars; one submission).

Conditions:
Sandhoff disease. Also called: GM2-GANGLIOSIDOSIS, TYPE II; HEXOSAMINIDASES A AND B DEFICIENCY; Beta-hexosaminidase-beta-subunit deficiency; GM2 gangliosidosis, type 2; Total hexosaminidase deficiency; Sandhoff-Jatzkewitz-Pilz disease. Identifiers: Orphanet 796, MedGen C0036161, MONDO:0010006, OMIM 268800.

Submission:

Labcorp Genetics (formerly Invitae), Labcorp
Classification: Pathogenic for Sandhoff disease. Last evaluated: 2023-04-06. Review status: criteria provided, single submitter. Criteria: Invitae Variant Classification Sherloc (09022015). Collection method: clinical testing. Allele origin: unknown.
Comment: For these reasons, this variant has been classified as Pathogenic. This variant has not been reported in the literature in individuals affected with HEXB-related conditions. This variant is a gross deletion of the genomic region encompassing exon(s) 6-11 of the HEXB gene. This deletion is out-of-frame, and is expected to create a premature termination codon and result in an absent or disrupted protein product. Loss-of-function variants in HEXB are known to be pathogenic (PMID: 7550345, 18758829).

Literature cited by the submitters: PubMed 7550345; PubMed 18758829.